The following is an entry in ClinVar:

NM_024301.5(FKRP):c.1274G>A (p.Gly425Asp)

Gene: FKRP (fukutin related protein; plus strand). Cytogenetic location: 19q13.32.
Variant type: single nucleotide variant.
Coding change: c.1274G>A on transcript NM_024301.5 (MANE Select); coding-DNA position 1274, G replaced by A.
Protein change: p.Gly425Asp; replaces glycine 425 with aspartic acid.
Molecular consequence: missense variant.
Genome position (GRCh38, 1-based): chr19:46,756,724, G>A. VCF-style: chr19-46756724-G-A. GRCh37 (hg19) VCF-style: chr19-47259981-G-A.
Other names: c.1274G>A, p.Gly425Asp (NM_001039885.3); short protein forms G425D.
Identifiers: ClinVar variation 3233605 (VCV003233605.2), dbSNP rs773049327, ClinGen allele CA406497025.

ClinVar aggregate classification (germline): Uncertain significance (1 of 4 stars; one submission).

Submission:

Women's Health and Genetics/Laboratory Corporation of America, LabCorp
Classification: Uncertain significance. Last evaluated: 2024-03-07. Review status: criteria provided, single submitter. Criteria: LabCorp Variant Classification Summary - May 2015. Collection method: clinical testing. Allele origin: germline.
Comment: Variant summary: FKRP c.1274G>A (p.Gly425Asp) results in a non-conservative amino acid change in the encoded protein sequence. Five of five in-silico tools predict a damaging effect of the variant on protein function. The variant was absent in 243836 control chromosomes. The available data on variant occurrences in the general population are insufficient to allow any conclusion about variant significance. c.1274G>A has been reported in the literature in individuals affected with Limb-Girdle Muscular Dystrophy, Autosomal Recessive (Sframeli_2017) without evidence for causality. These report(s) do not provide unequivocal conclusions about association of the variant with Limb-Girdle Muscular Dystrophy, Autosomal Recessive . To our knowledge, no experimental evidence demonstrating an impact on protein function has been reported. The following publication have been ascertained in the context of this evaluation (PMID: 28688748). No submitters have cited clinical-significance assessments for this variant to ClinVar. Based on the evidence outlined above, the variant was classified as uncertain significance.

Literature cited by the submitters: PubMed 28688748.